The following is an entry in ClinVar:

NM_004360.5(CDH1):c.2326C>G (p.Leu776Val)

Gene: CDH1 (cadherin 1; plus strand). Cytogenetic location: 16q22.1.
Variant type: single nucleotide variant.
Coding change: c.2326C>G on transcript NM_004360.5 (MANE Select); coding-DNA position 2326, C replaced by G.
Protein change: p.Leu776Val; replaces leucine 776 with valine.
Molecular consequence: missense variant.
Genome position (GRCh38, 1-based): chr16:68,829,684, C>G. VCF-style: chr16-68829684-C-G. GRCh37 (hg19) VCF-style: chr16-68863587-C-G.
Other names: c.2143C>G, p.Leu715Val (NM_001317184.2); c.778C>G, p.Leu260Val (NM_001317185.2); c.361C>G, p.Leu121Val (NM_001317186.2); short protein forms L260V, L715V, L776V, L121V.
Identifiers: ClinVar variation 1789653 (VCV001789653.2), dbSNP rs765299711, ClinGen allele CA396470900.

ClinVar aggregate classification (germline): Uncertain significance (1 of 4 stars; one submission).

Conditions:
Hereditary cancer-predisposing syndrome. Also called: Hereditary Cancer Syndrome; Hereditary neoplastic syndrome; Tumor predisposition; Neoplastic Syndromes, Hereditary. Identifiers: Orphanet 140162, MedGen C0027672, MeSH D009386, MONDO:0015356.

Submission:

Ambry Genetics
Classification: Uncertain significance for Hereditary cancer-predisposing syndrome. Last evaluated: 2021-08-17. Review status: criteria provided, single submitter. Criteria: Ambry Variant Classification Scheme 2023. Collection method: clinical testing. Allele origin: germline.
Comment: The p.L776V variant (also known as c.2326C>G), located in coding exon 15 of the CDH1 gene, results from a C to G substitution at nucleotide position 2326. The leucine at codon 776 is replaced by valine, an amino acid with highly similar properties. This amino acid position is highly conserved in available vertebrate species. In addition, this alteration is predicted to be tolerated by in silico analysis. Since supporting evidence is limited at this time, the clinical significance of this alteration remains unclear.